The following is an entry in ClinVar:

NM_006302.3(MOGS):c.2332G>A (p.Ala778Thr)

Gene: MOGS (mannosyl-oligosaccharide glucosidase; minus strand). Cytogenetic location: 2p13.1.
Variant type: single nucleotide variant.
Coding change: c.2332G>A on transcript NM_006302.3 (MANE Select); coding-DNA position 2332, G replaced by A.
Protein change: p.Ala778Thr; replaces alanine 778 with threonine.
Molecular consequence: missense variant.
Genome position (GRCh38, 1-based): chr2:74,461,457, C>T on the plus strand (G>A on the coding strand, the complement: MOGS is on the minus strand). VCF-style: chr2-74461457-C-T. GRCh37 (hg19) VCF-style: chr2-74688584-C-T.
Other names: c.2014G>A, p.Ala672Thr (NM_001146158.2); short protein forms A672T, A778T.
Identifiers: ClinVar variation 1921852 (VCV001921852.5), dbSNP rs2529491003, ClinGen allele CA347366378.

ClinVar aggregate classification (germline): Uncertain significance (1 of 4 stars; one submission).

Conditions:
MOGS-congenital disorder of glycosylation. Also called: GLUCOSIDASE I DEFICIENCY; MOGS-CDG; CDG IIb; CDG 2B. Identifiers: Orphanet 79330, MedGen C1853736, MONDO:0011629, OMIM 606056.

gnomAD v4.1: 4 of 1,614,212 alleles (0.00025%); no homozygotes.

Submission:

Labcorp Genetics (formerly Invitae), Labcorp
Classification: Uncertain significance for MOGS-congenital disorder of glycosylation. Last evaluated: 2024-12-02. Review status: criteria provided, single submitter. Criteria: Invitae Variant Classification Sherloc (09022015). Collection method: clinical testing. Allele origin: germline.
Comment: This sequence change replaces alanine, which is neutral and non-polar, with threonine, which is neutral and polar, at codon 778 of the MOGS protein (p.Ala778Thr). This variant is not present in population databases (gnomAD no frequency). This variant has not been reported in the literature in individuals affected with MOGS-related conditions. ClinVar contains an entry for this variant (Variation ID: 1921852). Invitae Evidence Modeling of protein sequence and biophysical properties (such as structural, functional, and spatial information, amino acid conservation, physicochemical variation, residue mobility, and thermodynamic stability) indicates that this missense variant is not expected to disrupt MOGS protein function with a negative predictive value of 80%. In summary, the available evidence is currently insufficient to determine the role of this variant in disease. Therefore, it has been classified as a Variant of Uncertain Significance.